The following is an entry in ClinVar:

ClinVar aggregate classification (germline): Uncertain significance (1 of 4 stars; one submission).

Conditions:
CLASP1-related disorder. Also called: CLASP1-related condition.

Submission:

PreventionGenetics, part of Exact Sciences
Classification: Uncertain significance for CLASP1-related condition. Last evaluated: 2025-07-03. Review status: criteria provided, single submitter. Criteria: ACMG Guidelines, 2015. Collection method: clinical testing. Allele origin: germline.
Comment: The CLASP1 c.4529A>G variant is predicted to result in the amino acid substitution p.Lys1510Arg. To our knowledge, this variant has not been reported in the literature or in a large population database (gnomAD), indicating this variant is rare. At this time, the clinical significance of this variant is uncertain due to the absence of conclusive functional and genetic evidence.

NM_001395891.1(CLASP1):c.4592A>G (p.Lys1531Arg)

Gene: CLASP1 (cytoplasmic linker associated protein 1; minus strand). Cytogenetic location: 2q14.2.
Variant type: single nucleotide variant.
Coding change: c.4592A>G on transcript NM_001395891.1 (MANE Select); coding-DNA position 4592, A replaced by G.
Protein change: p.Lys1531Arg; replaces lysine 1531 with arginine.
Molecular consequence: missense variant.
Genome position (GRCh38, 1-based): chr2:121,347,039, T>C on the plus strand (A>G on the coding strand, the complement: CLASP1 is on the minus strand). VCF-style: chr2-121347039-T-C. GRCh37 (hg19) VCF-style: chr2-122104615-T-C.
Other names: c.4352A>G, p.Lys1451Arg (NM_001142273.2); c.4328A>G, p.Lys1443Arg (NM_001142274.2); c.4346A>G, p.Lys1449Arg (NM_001207051.2, NM_001378005.1); c.4433A>G, p.Lys1478Arg (NM_001378003.1); c.4325A>G, p.Lys1442Arg (NM_001378004.1); c.4529A>G, p.Lys1510Arg (NM_015282.3); short protein forms K1443R, K1451R, K1510R, K1531R, K1449R, K1442R, K1478R.
Identifiers: ClinVar variation 4998635 (VCV004998635.1).